The following is an entry in ClinVar:

ClinVar aggregate classification (germline): Conflicting classifications of pathogenicity. Review status: criteria provided, conflicting classifications (1 of 4 stars). 3 submissions from 3 submitters: Uncertain significance (1); Likely benign (2). Last evaluated 2025-11-19.

Conditions:
RASopathy. Also called: rasopathies; Noonan spectrum disorder. Identifiers: Orphanet 536391, MedGen C5555857, MONDO:0021060.
Cardiovascular phenotype. Identifiers: MedGen CN230736.

Allele frequency attached by ClinVar (database versions not stated): TOPMed below 0.00001; ExAC 0.00001; gnomAD 0.00001.
gnomAD v4.1: 13 of 1,597,718 alleles (0.00081%); highest among the groups gnomAD compares: Non-Finnish European, 0.0011%; no homozygotes.

Submissions (3):

Labcorp Genetics (formerly Invitae), Labcorp
Classification: Likely benign for RASopathy. Last evaluated: 2025-11-19. Review status: criteria provided, single submitter. Criteria: Invitae Variant Classification Sherloc (09022015). Collection method: clinical testing. Allele origin: germline.

Ambry Genetics
Classification: Uncertain significance for Cardiovascular phenotype. Last evaluated: 2025-05-14. Review status: criteria provided, single submitter. Criteria: Ambry Variant Classification Scheme 2023. Collection method: clinical testing. Allele origin: germline.
Comment: The p.P7L variant (also known as c.20C>T), located in coding exon 1 of the SOS1 gene, results from a C to T substitution at nucleotide position 20. The proline at codon 7 is replaced by leucine, an amino acid with similar properties. This amino acid position is conserved. In addition, this alteration is predicted to be tolerated by in silico analysis. Based on the available evidence, the clinical significance of this variant remains unclear.

Laboratory of Genetics, Children's Clinical University Hospital Latvia
Classification: Likely benign. Last evaluated: 2025-02-16. Review status: criteria provided, single submitter. Criteria: ACMG Guidelines, 2015. Collection method: clinical testing. Allele origin: germline. Affected: yes.

NM_005633.4(SOS1):c.20C>T (p.Pro7Leu)

Genes: SOS1 (SOS Ras/Rac guanine nucleotide exchange factor 1; minus strand), LOC129933535 (ATAC-STARR-seq lymphoblastoid silent region 11384; plus strand). Cytogenetic location: 2p22.1.
Variant type: single nucleotide variant.
Coding change: c.20C>T on transcript NM_005633.4 (MANE Select); coding-DNA position 20, C replaced by T.
Protein change: p.Pro7Leu; replaces proline 7 with leucine.
Molecular consequence: missense variant. On other transcripts: intron variant (1).
Genome position (GRCh38, 1-based): chr2:39,120,403, G>A on the plus strand (C>T on the coding strand, the complement: SOS1 is on the minus strand). VCF-style: chr2-39120403-G-A. GRCh37 (hg19) VCF-style: chr2-39347544-G-A.
Other names: c.20C>T, p.Pro7Leu (NM_001382395.1); c.66+4261C>T (NM_001382394.1); short protein forms P7L.
Identifiers: ClinVar variation 2076919 (VCV002076919.6), dbSNP rs755983212, ClinGen allele CA1624901.